The following is an entry in ClinVar:

NC_000007.13:g.(?_193200)_(195752_?)dup

Gene: FAM20C (FAM20C golgi associated secretory pathway kinase; plus strand). Cytogenetic location: 7p22.3.
Variant type: Duplication.
Identifiers: ClinVar variation 2426529 (VCV002426529.4).

ClinVar aggregate classification (germline): Uncertain significance (1 of 4 stars; one submission).

Submission:

Labcorp Genetics (formerly Invitae), Labcorp
Classification: Uncertain significance. Last evaluated: 2022-06-21. Review status: criteria provided, single submitter. Criteria: Invitae Variant Classification Sherloc (09022015). Collection method: clinical testing. Allele origin: germline.
Comment: In summary, the available evidence is currently insufficient to determine the role of this variant in disease. Therefore, it has been classified as a Variant of Uncertain Significance. Experimental studies and prediction algorithms are not available or were not evaluated, and the functional significance of this variant is currently unknown. This variant has not been reported in the literature in individuals affected with FAM20C-related conditions. This variant results in a copy number gain of the genomic region encompassing exon(s) 1-2 of the FAM20C gene. This region includes the initiator codon of the gene. This copy number gain extends beyond the assayed region for this gene and therefore may encompass additional genes. As the precise location of this event is unknown, it may be in tandem or it may be located elsewhere in the genome.